The following is an entry in ClinVar:

NM_000256.3(MYBPC3):c.3782_3784dup (p.Glu1261_Ala1262insGlu)

Gene: MYBPC3 (myosin binding protein C3; minus strand). Cytogenetic location: 11p11.2.
Variant type: Duplication.
Coding change: c.3782_3784dup on transcript NM_000256.3 (MANE Select); coding-DNA positions 3782 to 3784, 3 bases duplicated (AGG; older notation c.3782_3784dupAGG).
Protein change: p.Glu1261_Ala1262insGlu.
Molecular consequence: inframe insertion.
Genome position (GRCh38, 1-based): chr11:47,332,102-47,332,104, CCT duplicated on the plus strand (AGG on the coding strand, the reverse complement: MYBPC3 is on the minus strand); duplicating any 3 consecutive bases within chr11:47,332,102-47,332,105 gives the same sequence; the c. name uses the placement nearest the transcript's 3' end. VCF-style (leftmost placement, unchanged base first): chr11-47332101-G-GCCT. GRCh37 (hg19) VCF-style: chr11-47353652-G-GCCT.
Other names: c.3782_3784dupAGG (NM_000256.3).
Identifiers: ClinVar variation 2563092 (VCV002563092.5), dbSNP rs2495736054, ClinGen allele CA2580615672.

ClinVar aggregate classification (germline): Uncertain significance. Review status: criteria provided, multiple submitters, no conflicts (2 of 4 stars). 2 submissions from 2 submitters: Uncertain significance (2). Last evaluated 2023-10-18.

Conditions:
Hypertrophic cardiomyopathy. Also called: HYPERTROPHIC MYOCARDIOPATHY. Identifiers: Orphanet 217569, MedGen C0007194, MeSH D002312, MONDO:0005045, HP:0001639.
Cardiovascular phenotype. Identifiers: MedGen CN230736.

Submissions (2):

Labcorp Genetics (formerly Invitae), Labcorp
Classification: Uncertain significance for Hypertrophic cardiomyopathy. Last evaluated: 2023-10-18. Review status: criteria provided, single submitter. Criteria: Invitae Variant Classification Sherloc (09022015). Collection method: clinical testing. Allele origin: germline.
Comment: This variant, c.3782_3784dup, results in the insertion of 1 amino acid(s) of the MYBPC3 protein (p.Glu1261dup), but otherwise preserves the integrity of the reading frame. This variant is not present in population databases (gnomAD no frequency). This variant has been observed in individual(s) with dilated cardiomyopathy (Invitae). ClinVar contains an entry for this variant (Variation ID: 2563092). In summary, the available evidence is currently insufficient to determine the role of this variant in disease. Therefore, it has been classified as a Variant of Uncertain Significance.

Ambry Genetics
Classification: Uncertain significance for Cardiovascular phenotype. Last evaluated: 2023-05-25. Review status: criteria provided, single submitter. Criteria: Ambry Variant Classification Scheme 2023. Collection method: clinical testing. Allele origin: germline.
Comment: The c.3782_3784dupAGG variant (also known as p.E1261dup), located in coding exon 33 of the MYBPC3 gene, results from an in-frame duplication of AGG at nucleotide positions 3782 to 3784. This results in the duplication of an extra residue between codons 1261 and 1262. This amino acid position is well conserved in available vertebrate species. In addition, this alteration is predicted to be deleterious by in silico analysis (Choi Y et al. PLoS ONE. 2012; 7(10):e46688). Since supporting evidence is limited at this time, the clinical significance of this alteration remains unclear.